The following is an entry in ClinVar:

NM_006440.5(TXNRD2):c.526G>C (p.Glu176Gln)

Gene: TXNRD2 (thioredoxin reductase 2; minus strand). Cytogenetic location: 22q11.21.
Variant type: single nucleotide variant.
Coding change: c.526G>C on transcript NM_006440.5 (MANE Select); coding-DNA position 526, G replaced by C.
Protein change: p.Glu176Gln; replaces glutamic acid 176 with glutamine.
Molecular consequence: missense variant. On other transcripts: non-coding transcript variant (1).
Genome position (GRCh38, 1-based): chr22:19,915,767, C>G on the plus strand (G>C on the coding strand, the complement: TXNRD2 is on the minus strand). VCF-style: chr22-19915767-C-G. GRCh37 (hg19) VCF-style: chr22-19903290-C-G.
Other names: c.526G>C, p.Glu176Gln (NM_001282512.3); c.523G>C, p.Glu175Gln (NM_001352300.2); c.436G>C, p.Glu146Gln (NM_001352301.2); c.238G>C, p.Glu80Gln (NM_001352302.2); c.430G>C, p.Glu144Gln (NM_001352303.2); short protein forms E176Q, E146Q, E175Q, E80Q, E144Q.
Identifiers: ClinVar variation 386317 (VCV000386317.17), dbSNP rs61736929, ClinGen allele CA10104171.
Genomic context (GRCh38, chr22:19,915,767, plus strand): 5'-GTGCCCAAGGTCTGCAGAAGGGTCCACAAGGAGCCACGCGAGTAAGTCAGATGCTCACCT[C>G]TTTCCCACCTTTGGCAACGCCGCAAACCGTGTGCTCGTCAACAAAGCTGGCTTTGATGTT-3'
Protein context (NP_006431.2, residues 166-186): TVCGVAKGGK[Glu176Gln]ILLSADHIII

ClinVar aggregate classification (germline): Benign. Review status: criteria provided, multiple submitters, no conflicts (2 of 4 stars). 4 submissions from 4 submitters: Benign (4). Last evaluated 2026-02-03.

Conditions:
Primary dilated cardiomyopathy (DCM). Also called: Dilated Cardiomyopathy. Identifiers: Orphanet 217604, MedGen C0007193, MeSH D002311, MONDO:0005021, HP:0001644. Inheritance: Various modes of inheritance.
Cardiovascular phenotype. Identifiers: MedGen CN230736.

Allele frequency attached by ClinVar (database versions not stated): gnomAD exomes 0.00213 and 0.00547; ExAC 0.00653; ESP Exome Variant Server 0.02189; gnomAD 0.02223 and 0.02373; TOPMed 0.02371; 1000 Genomes Project 0.02476; 1000 Genomes Project 30x 0.02561.
gnomAD v4.1: 6,578 of 1,614,186 alleles (0.41%); highest among the groups gnomAD compares: African/African-American, 7.9%; 252 homozygotes.

Submissions (4):

Labcorp Genetics (formerly Invitae), Labcorp
Classification: Benign for Primary dilated cardiomyopathy. Last evaluated: 2026-02-03. Review status: criteria provided, single submitter. Criteria: Invitae Variant Classification Sherloc (09022015). Collection method: clinical testing. Allele origin: germline.

GeneDx
Classification: Benign. Last evaluated: 2016-10-19. Review status: criteria provided, single submitter. Criteria: GeneDx Variant Classification (06012015). Collection method: clinical testing. Allele origin: germline. Affected: yes.
Comment: This variant is considered likely benign or benign based on one or more of the following criteria: it is a conservative change, it occurs at a poorly conserved position in the protein, it is predicted to be benign by multiple in silico algorithms, and/or has population frequency not consistent with disease.

Ambry Genetics
Classification: Benign for Cardiovascular phenotype. Last evaluated: 2015-06-25. Review status: criteria provided, single submitter. Criteria: Ambry Variant Classification Scheme 2023. Collection method: clinical testing. Allele origin: germline.

Breakthrough Genomics
Classification: Benign. Review status: criteria provided, single submitter. Criteria: ACMG Guidelines, 2015. Collection method: not provided. Allele origin: germline. Inheritance: Autosomal recessive inheritance. Affected: yes.